The following is an entry in ClinVar:

ClinVar aggregate classification (germline): Pathogenic. Review status: reviewed by expert panel (3 of 4 stars). 4 submissions from 4 submitters: Pathogenic (1). 3 of the submissions do not count toward it. Last evaluated 2017-12-15.

Conditions:
Hereditary cancer-predisposing syndrome. Also called: Neoplastic Syndromes, Hereditary; Hereditary neoplastic syndrome; Tumor predisposition; Hereditary Cancer Syndrome. Identifiers: Orphanet 140162, MedGen C0027672, MeSH D009386, MONDO:0015356.
Hereditary breast ovarian cancer syndrome. Also called: Hereditary breast and ovarian cancer syndrome (HBOC); BRCA1- and BRCA2-Associated Hereditary Breast and Ovarian Cancer; Hereditary breast and/or ovarian cancer syndrome; Hereditary breast and ovarian cancer syndrome; Hereditary breast and ovarian cancer; Breast and ovarian cancer. Identifiers: Orphanet 145, MedGen C0677776, MeSH D061325, MONDO:0003582. Disease mechanism: loss of function.
Breast-ovarian cancer, familial, susceptibility to, 1 (BROVCA1). Also called: BRCA1 Hereditary Breast and Ovarian Cancer; OVARIAN CANCER, SUSCEPTIBILITY TO. Identifiers: Orphanet 145, MedGen C2676676, MONDO:0011450, OMIM 604370. Disease mechanism: loss of function.

Submissions (4):

Evidence-based Network for the Interpretation of Germline Mutant Alleles (ENIGMA)
Classification: Pathogenic for Breast-ovarian cancer, familial, susceptibility to, 1. Last evaluated: 2017-12-15. Review status: reviewed by expert panel. Criteria: ENIGMA BRCA1/2 Classification Criteria (2017-06-29). Collection method: curation. Allele origin: germline. Study: ENIGMA.
Comment: Variant allele predicted to encode a truncated non-functional protein.

Ambry Genetics
Classification: Pathogenic for Hereditary cancer-predisposing syndrome. Last evaluated: 2022-06-20. Review status: criteria provided, single submitter. Criteria: Ambry Variant Classification Scheme 2023. Collection method: clinical testing. Allele origin: germline. Not counted in ClinVar's aggregate classification.
Comment: The c.4834_4835delCA pathogenic mutation, located in coding exon 14 of the BRCA1 gene, results from a deletion of two nucleotides at nucleotide positions 4834 to 4835, causing a translational frameshift with a predicted alternate stop codon (p.Q1612Efs*9). This alteration is expected to result in loss of function by premature protein truncation or nonsense-mediated mRNA decay. As such, this alteration is interpreted as a disease-causing mutation.

Color Diagnostics, LLC DBA Color Health
Classification: Pathogenic for Hereditary cancer-predisposing syndrome. Last evaluated: 2021-01-18. Review status: criteria provided, single submitter. Criteria: ACMG Guidelines, 2015. Collection method: clinical testing. Allele origin: germline. Not counted in ClinVar's aggregate classification.
Comment: This variant deletes 2 nucleotides in exon 15 of the BRCA1 gene, creating a frameshift and premature translation stop signal. This variant is expected to result in an absent or non-functional protein product. To our knowledge, this variant has not been reported in individuals affected with hereditary cancer in the literature. This variant has not been identified in the general population by the Genome Aggregation Database (gnomAD). Loss of BRCA1 function is a known mechanism of disease. Based on the available evidence, this variant is classified as Pathogenic.

Women's Health and Genetics/Laboratory Corporation of America, LabCorp
Classification: Likely pathogenic for Hereditary breast and ovarian cancer syndrome. Last evaluated: 2018-12-14. Review status: criteria provided, single submitter. Criteria: LabCorp Variant Classification Summary - May 2015. Collection method: clinical testing. Allele origin: germline. Not counted in ClinVar's aggregate classification.
Comment: Variant summary: BRCA1 c.4834_4835delCA (p.Gln1612GlufsX9) results in a premature termination codon, predicted to cause a truncation of the encoded protein or absence of the protein due to nonsense mediated decay, which are commonly known mechanisms for disease. Truncations downstream of this position have been classified as pathogenic by our laboratory (eg. c.5030_5033delCTAA, p.Thr1677fsX2; c.5080G>T, p.Glu1694X). The variant was absent in 246150 control chromosomes (gnomAD). To our knowledge, no occurrence of c.4834_4835delCA in individuals affected with Hereditary Breast and Ovarian Cancer and no experimental evidence demonstrating its impact on protein function have been reported. Two clinical diagnostic laboratories have submitted clinical-significance assessments for this variant to ClinVar after 2014 without evidence for independent evaluation and classified the variant as pathogenic. Based on the evidence outlined above, the variant was classified as likely pathogenic.

NM_007294.4(BRCA1):c.4834_4835del (p.Gln1612fs)

Gene: BRCA1 (BRCA1 DNA repair associated; minus strand). Cytogenetic location: 17q21.31.
Variant type: Deletion.
Coding change: c.4834_4835del on transcript NM_007294.4 (MANE Select); coding-DNA positions 4834 to 4835, 2 bases deleted (CA; older notation c.4834_4835delCA).
Protein change: p.Gln1612fs; shifts the reading frame from glutamine 1612.
Molecular consequence: frameshift variant. On other transcripts: non-coding transcript variant (1).
Genome position (GRCh38, 1-based): chr17:43,071,079-43,071,080, TG deleted on the plus strand (CA on the coding strand, the reverse complement: BRCA1 is on the minus strand). VCF-style (leftmost placement, unchanged base first): chr17-43071078-CTG-C. GRCh37 (hg19) VCF-style: chr17-41223095-CTG-C.
Other names: c.4621_4622delCA, p.Gln1541Glufs (NM_001407571.1, NM_001407894.1, NM_001407895.1 and 12 more transcripts); c.4900_4901delCA, p.Gln1634Glufs (NM_001407581.1, NM_001407582.1); c.4897_4898delCA, p.Gln1633Glufs (NM_001407583.1, NM_001407585.1, NM_001407587.1); c.4894_4895delCA, p.Gln1632Glufs (NM_001407590.1, NM_001407591.1); c.4834_4835delCA, p.Gln1612Glufs (NM_001407593.1, NM_001407594.1, NM_001407596.1 and 9 more transcripts); c.4831_4832delCA, p.Gln1611Glufs (NM_001407610.1, NM_001407611.1, NM_001407612.1 and 17 more transcripts); c.4828_4829delCA, p.Gln1610Glufs (NM_001407627.1, NM_001407628.1, NM_001407629.1 and 14 more transcripts); c.4825_4826delCA, p.Gln1609Glufs (NM_001407644.1, NM_001407645.1); and 73 more; short protein forms Q1565fs, Q1612fs, Q508fs, Q1633fs.
Identifiers: ClinVar variation 441347 (VCV000441347.10), dbSNP rs1555580840, ClinGen allele CA658653684.